The following is an entry in ClinVar:

ClinVar aggregate classification (germline): Uncertain significance (1 of 4 stars; one submission).

Conditions:
Ullrich congenital muscular dystrophy 2 (UCMD2). Identifiers: Orphanet 75840, MedGen C4225314, MONDO:0014654, OMIM 616470.
Bethlem myopathy 2 (BTHLM2). Identifiers: Orphanet 536516, Orphanet 610, MedGen C4225313, MONDO:0034022, OMIM 616471.

Allele frequency attached by ClinVar (database versions not stated): TOPMed below 0.00001; gnomAD 0.00001; gnomAD exomes 0.00001.
gnomAD v4.1: 14 of 1,532,706 alleles (0.00091%); highest among the groups gnomAD compares: Non-Finnish European, 0.0011%; 1 homozygote.

Submission:

Labcorp Genetics (formerly Invitae), Labcorp
Classification: Uncertain significance for Bethlem myopathy 2; Ullrich congenital muscular dystrophy 2. Last evaluated: 2024-01-15. Review status: criteria provided, single submitter. Criteria: Invitae Variant Classification Sherloc (09022015). Collection method: clinical testing. Allele origin: germline.
Comment: This sequence change replaces valine, which is neutral and non-polar, with alanine, which is neutral and non-polar, at codon 633 of the COL12A1 protein (p.Val633Ala). The frequency data for this variant in the population databases is considered unreliable, as metrics indicate poor data quality at this position in the gnomAD database. This variant has not been reported in the literature in individuals affected with COL12A1-related conditions. Advanced modeling of protein sequence and biophysical properties (such as structural, functional, and spatial information, amino acid conservation, physicochemical variation, residue mobility, and thermodynamic stability) performed at Invitae indicates that this missense variant is not expected to disrupt COL12A1 protein function with a negative predictive value of 80%. In summary, the available evidence is currently insufficient to determine the role of this variant in disease. Therefore, it has been classified as a Variant of Uncertain Significance.

NM_004370.6(COL12A1):c.1898T>C (p.Val633Ala)

Gene: COL12A1 (collagen type XII alpha 1 chain; minus strand). Cytogenetic location: 6q13.
Variant type: single nucleotide variant.
Coding change: c.1898T>C on transcript NM_004370.6 (MANE Select); coding-DNA position 1898, T replaced by C.
Protein change: p.Val633Ala; replaces valine 633 with alanine.
Molecular consequence: missense variant. On other transcripts: intron variant (2).
Genome position (GRCh38, 1-based): chr6:75,181,205, A>G on the plus strand (T>C on the coding strand, the complement: COL12A1 is on the minus strand). VCF-style: chr6-75181205-A-G. GRCh37 (hg19) VCF-style: chr6-75890921-A-G.
Other names: c.1898T>C, p.Val633Ala (NM_001424113.1, NM_001424114.1, NM_001424115.1); c.73+21515T>C (NM_001424116.1, NM_080645.3); short protein forms V633A.
Identifiers: ClinVar variation 2929521 (VCV002929521.3), dbSNP rs1391862206, ClinGen allele CA364767766.